The following is an entry in ClinVar:

ClinVar aggregate classification (germline): Likely benign. Review status: reviewed by expert panel (3 of 4 stars). 3 submissions from 3 submitters: Likely benign (1). 2 of the submissions do not count toward it. Last evaluated 2025-03-13.

Conditions:
Creatine transporter deficiency (CCDS1). Also called: Creatine Transporter (CRTR) Deficiency; SLC6A8-Related Creatine Transporter Deficiency; CREATINE TRANSPORTER DEFECT; CEREBRAL CREATINE DEFICIENCY SYNDROME 1; Mental retardation , X-linked with seizures, short stature and midface hypoplasia; Mental retardation , X-linked, with creatine transport deficiency. Identifiers: Orphanet 52503, MedGen C1845862, MONDO:0010305, OMIM 300352.

Allele frequency attached by ClinVar (database versions not stated): gnomAD exomes 0.00004; TOPMed 0.00004; ExAC 0.00009.
gnomAD v4.1: 43 of 1,208,763 alleles (0.0036%); highest among the groups gnomAD compares: Non-Finnish European, 0.0037%; no homozygotes.

Submissions (3):

ClinGen Cerebral Creatine Deficiency Syndromes Variant Curation Expert Panel, ClinGen
Classification: Likely benign for Creatine transporter deficiency. Last evaluated: 2025-03-13. Review status: reviewed by expert panel. Criteria: ClinGen_CCDS_ACMG_Specifications_SLC6A8_v1.1. Collection method: curation. Allele origin: germline. Inheritance: X-linked inheritance.
Comment: The NM_005629.4:c.1714G>A variant in SLC6A8 is a missense variant predicted to cause the substitution of a valine by a methionine at amino acid position 572 (p.Val572Met). To our knowledge, this variant has not been reported in the literature and no functional studies are available. In gnomAD v4.1.0, the highest population minor allele frequency MAF) is 0.0000369 (33/894244 alleles, 12 hemizygotes) in the European (Non-Finnish) population. This MAF is greater than the ClinGen CCDS VCEP’s threshold for PM2_Supporting (<0.00002) but less than the ClinGen CCDS VCEP’s threshold for BS1 (>0.0002), such that neither of these criteria are met. There are 14 hemizygotes in gnomAD v4.1.0. (12 in the European non-Finnish, one in the "other" and one in the S. Asian population) (BS2). The computational predictor REVEL gives a score of 0.689, which is less than the ClinGen CCDS VCEP’s threshold for PP3 (>0.75) but greater than the ClinGen CCDS VCEP’s threshold for BP4 (<0.2), such that neither of these criteria are met. There is a ClinVar entry for this variant (Variation ID: 449188). Due to the presence of 14 hemizygotes in gnomAD v4.1.0, the consensus of the CCDS VCEP is to classify this variant as likely benign for creatine transporter deficiency, a severe, pediatric onset neurodevelopmental disorder. SLC6A8-specific ACMG/AMP criteria applied, as specified by the ClinGen CCDS VCEP (Specifications Version 1.1.0): BS2. (Classification approved by the ClinGen Cerebral Creatine Deficiency Syndromes Variant Curation Expert Panel on March 13, 2025)

Labcorp Genetics (formerly Invitae), Labcorp
Classification: Likely benign for Creatine transporter deficiency. Last evaluated: 2025-11-17. Review status: criteria provided, single submitter. Criteria: Invitae Variant Classification Sherloc (09022015). Collection method: clinical testing. Allele origin: germline. Not counted in ClinVar's aggregate classification.

GeneDx
Classification: Uncertain significance. Last evaluated: 2017-09-07. Review status: criteria provided, single submitter. Criteria: GeneDx Variant Classification (06012015). Collection method: clinical testing. Allele origin: germline. Affected: yes. Not counted in ClinVar's aggregate classification.
Comment: A variant of uncertain significance has been identified in the SLC6A8 gene. The V572M variant has not been published as a pathogenic variant, nor has it been reported as a benign variant to our knowledge. The V572M variant is observed in 6/35470 (0.02%) alleles from individuals of European background, including 3 unrelated hemizygous individuals in the ExAC dataset (Lek et al., 2016; 1000 Genomes Consortium et al., 2015; Exome Variant Server). The V572M variant is a conservative amino acid substitution, which is not likely to impact secondary protein structure as these residues share similar properties. This substitution occurs at a position where amino acids with similar properties to Valine are tolerated across species. However. in silico analysis is inconsistent in its predictions as to whether or not the variant is damaging to the protein structure/function. Therefore, based on the currently available information, it is unclear whether this variant is a pathogenic variant or a rare benign variant.

NM_005629.4(SLC6A8):c.1714G>A (p.Val572Met)

Gene: SLC6A8 (solute carrier family 6 member 8; plus strand). Cytogenetic location: Xq28.
Variant type: single nucleotide variant.
Coding change: c.1714G>A on transcript NM_005629.4 (MANE Select); coding-DNA position 1714, G replaced by A.
Protein change: p.Val572Met; replaces valine 572 with methionine.
Molecular consequence: missense variant.
Genome position (GRCh38, 1-based): chrX:153,694,836, G>A. VCF-style: chrX-153694836-G-A. GRCh37 (hg19) VCF-style: chrX-152960291-G-A.
Other names: NM_005629.4(SLC6A8):c.1714G>A; p.Val572Met; c.1684G>A, p.Val562Met (NM_001142805.2); c.1369G>A, p.Val457Met (NM_001142806.1); short protein forms V572M, V457M, V562M.
Identifiers: ClinVar variation 449188 (VCV000449188.13), dbSNP rs2872524, ClinGen allele CA10549625.